The following is an entry in ClinVar:

ClinVar aggregate classification (germline): Benign/Likely benign. Review status: criteria provided, multiple submitters, no conflicts (2 of 4 stars). 5 submissions from 5 submitters: Benign (2); Likely benign (3). Last evaluated 2026-06-01.

Conditions:
2-aminoadipic 2-oxoadipic aciduria (AAKAD). Also called: Aminoadipic aciduria; ALPHA-AMINOADIPIC AND ALPHA-KETOADIPIC ACIDURIA. Identifiers: Orphanet 79154, MedGen C1859817, MONDO:0008774, OMIM 204750.

Allele frequency attached by ClinVar (database versions not stated): ESP Exome Variant Server 0.00008; TOPMed 0.00014; 1000 Genomes Project 30x 0.00047; gnomAD 0.00055 and 0.00057; 1000 Genomes Project 0.00060.
gnomAD v4.1: 466 of 1,612,714 alleles (0.029%); highest among the groups gnomAD compares: Non-Finnish European, 0.021%; 2 homozygotes.

Submissions (5):

CeGaT Center for Human Genetics Tuebingen
Classification: Likely benign. Last evaluated: 2026-06-01. Review status: criteria provided, single submitter. Criteria: CeGaT Center For Human Genetics Tuebingen Variant Classification Criteria Version 2. Collection method: clinical testing. Allele origin: germline. Affected: yes. Observed: 3 variant alleles.
Comment: DHTKD1: BP4, BP7

Labcorp Genetics (formerly Invitae), Labcorp
Classification: Benign for 2-aminoadipic 2-oxoadipic aciduria. Last evaluated: 2026-01-04. Review status: criteria provided, single submitter. Criteria: Invitae Variant Classification Sherloc (09022015). Collection method: clinical testing. Allele origin: germline.

Laboratory of Genetics, Children's Clinical University Hospital Latvia
Classification: Benign. Last evaluated: 2025-02-16. Review status: criteria provided, single submitter. Criteria: ACMG Guidelines, 2015. Collection method: clinical testing. Allele origin: germline. Affected: yes.

Blueprint Genetics
Classification: Likely benign. Last evaluated: 2024-11-06. Review status: criteria provided, single submitter. Criteria: ACMG Guidelines, 2015. Collection method: clinical testing. Allele origin: germline.

ARUP Laboratories, Molecular Genetics and Genomics, ARUP Laboratories
Classification: Likely benign. Last evaluated: 2021-02-24. Review status: criteria provided, single submitter. Criteria: ARUP Molecular Germline Variant Investigation Process 2021. Collection method: clinical testing. Allele origin: germline.

NM_018706.7(DHTKD1):c.1041G>A (p.Thr347=)

Gene: DHTKD1 (dehydrogenase E1 and transketolase domain containing 1; plus strand). Cytogenetic location: 10p14.
Variant type: single nucleotide variant.
Coding change: c.1041G>A on transcript NM_018706.7 (MANE Select); coding-DNA position 1041, G replaced by A.
Protein change: p.Thr347=; no amino-acid change (threonine 347 retained).
Molecular consequence: synonymous variant.
Genome position (GRCh38, 1-based): chr10:12,091,566, G>A. VCF-style: chr10-12091566-G-A. GRCh37 (hg19) VCF-style: chr10-12133565-G-A.
Identifiers: ClinVar variation 714774 (VCV000714774.42), dbSNP rs181104203, ClinGen allele CA5407730.